The following is an entry in ClinVar:

ClinVar aggregate classification (germline): Uncertain significance (1 of 4 stars; one submission).

Submission:

Labcorp Genetics (formerly Invitae), Labcorp
Classification: Uncertain significance. Last evaluated: 2024-01-09. Review status: criteria provided, single submitter. Criteria: Invitae Variant Classification Sherloc (09022015). Collection method: clinical testing. Allele origin: germline.
Comment: This sequence change replaces glutamic acid, which is acidic and polar, with lysine, which is basic and polar, at codon 26 of the GNMT protein (p.Glu26Lys). This variant is not present in population databases (gnomAD no frequency). This variant has not been reported in the literature in individuals affected with GNMT-related conditions. An algorithm developed to predict the effect of missense changes on protein structure and function (PolyPhen-2) suggests that this variant is likely to be tolerated. In summary, the available evidence is currently insufficient to determine the role of this variant in disease. Therefore, it has been classified as a Variant of Uncertain Significance.

NM_018960.6(GNMT):c.76G>A (p.Glu26Lys)

Genes: CNPY3-GNMT (CNPY3-GNMT readthrough; plus strand), GNMT (glycine N-methyltransferase; plus strand). Cytogenetic location: 6p21.1.
Variant type: single nucleotide variant.
Coding change: c.76G>A on transcript NM_018960.6 (MANE Select); coding-DNA position 76, G replaced by A.
Protein change: p.Glu26Lys; replaces glutamic acid 26 with lysine.
Molecular consequence: missense variant. On other transcripts: non-coding transcript variant (1), intron variant (3).
Genome position (GRCh38, 1-based): chr6:42,960,843, G>A. VCF-style: chr6-42960843-G-A. GRCh37 (hg19) VCF-style: chr6-42928581-G-A.
Other names: c.76G>A, p.Glu26Lys (NM_001318865.2); c.9-1369G>A (NM_001318856.2); c.152-1919G>A (NM_001318857.2, NM_001318858.2); short protein forms E26K.
Identifiers: ClinVar variation 2705612 (VCV002705612.3), dbSNP rs913376414, ClinGen allele CA138216065.